The following is an entry in ClinVar:

ClinVar aggregate classification (germline): Uncertain significance. Review status: criteria provided, multiple submitters, no conflicts (2 of 4 stars). 2 submissions from 2 submitters: Uncertain significance (2). Last evaluated 2023-05-25.

Allele frequency attached by ClinVar (database versions not stated): gnomAD 0.00001; TOPMed 0.00001; gnomAD exomes 0.00002.
gnomAD v4.1: 26 of 1,613,850 alleles (0.0016%); highest among the groups gnomAD compares: Non-Finnish European, 0.0021%; no homozygotes.

Submissions (2):

Blueprint Genetics
Classification: Uncertain significance. Last evaluated: 2023-05-25. Review status: criteria provided, single submitter. Criteria: ACMG Guidelines, 2015. Collection method: clinical testing. Allele origin: germline.

Labcorp Genetics (formerly Invitae), Labcorp
Classification: Uncertain significance. Last evaluated: 2023-03-23. Review status: criteria provided, single submitter. Criteria: Invitae Variant Classification Sherloc (09022015). Collection method: clinical testing. Allele origin: germline.
Comment: This sequence change replaces threonine, which is neutral and polar, with proline, which is neutral and non-polar, at codon 232 of the GFAP protein (p.Thr232Pro). In summary, the available evidence is currently insufficient to determine the role of this variant in disease. Therefore, it has been classified as a Variant of Uncertain Significance. Advanced modeling of protein sequence and biophysical properties (such as structural, functional, and spatial information, amino acid conservation, physicochemical variation, residue mobility, and thermodynamic stability) has been performed at Invitae for this missense variant, however the output from this modeling did not meet the statistical confidence thresholds required to predict the impact of this variant on GFAP protein function. This variant has not been reported in the literature in individuals affected with GFAP-related conditions. This variant is not present in population databases (gnomAD no frequency).

NM_002055.5(GFAP):c.694A>C (p.Thr232Pro)

Gene: GFAP (glial fibrillary acidic protein; minus strand). Cytogenetic location: 17q21.31.
Variant type: single nucleotide variant.
Coding change: c.694A>C on transcript NM_002055.5 (MANE Select); coding-DNA position 694, A replaced by C.
Protein change: p.Thr232Pro; replaces threonine 232 with proline.
Molecular consequence: missense variant.
Genome position (GRCh38, 1-based): chr17:44,913,355, T>G on the plus strand (A>C on the coding strand, the complement: GFAP is on the minus strand). VCF-style: chr17-44913355-T-G. GRCh37 (hg19) VCF-style: chr17-42990723-T-G.
Other names: c.694A>C, p.Thr232Pro (NM_001131019.3, NM_001242376.3, NM_001363846.2); short protein forms T232P.
Identifiers: ClinVar variation 2843213 (VCV002843213.4), dbSNP rs1182170998, ClinGen allele CA399845776.